The following is an entry in ClinVar:

ClinVar aggregate classification (germline): Likely benign. Review status: criteria provided, multiple submitters, no conflicts (2 of 4 stars). 3 submissions from 3 submitters: Likely benign (2). 1 of the submissions does not count toward it. Last evaluated 2025-11-27.

Conditions:
NSDHL-related disorder. Also called: NSDHL-Related Disorders; NSDHL-related condition. Identifiers: MedGen CN381535.

Allele frequency attached by ClinVar (database versions not stated): 1000 Genomes Project 30x 0.00021; 1000 Genomes Project 0.00026; ExAC 0.00039; gnomAD 0.00073; TOPMed 0.00121; ESP Exome Variant Server 0.00151.
gnomAD v4.1: 371 of 1,209,593 alleles (0.031%); highest among the groups gnomAD compares: African/African-American, 0.31%; 1 homozygote.

Submissions (3):

Labcorp Genetics (formerly Invitae), Labcorp
Classification: Likely benign. Last evaluated: 2025-11-27. Review status: criteria provided, single submitter. Criteria: Invitae Variant Classification Sherloc (09022015). Collection method: clinical testing. Allele origin: germline.

Blueprint Genetics
Classification: Likely benign. Last evaluated: 2024-11-25. Review status: criteria provided, single submitter. Criteria: ACMG Guidelines, 2015. Collection method: clinical testing. Allele origin: germline.

PreventionGenetics, part of Exact Sciences
Classification: Likely benign for NSDHL-related condition. Last evaluated: 2019-06-14. Review status: no assertion criteria provided. Collection method: clinical testing. Allele origin: germline. Not counted in ClinVar's aggregate classification.
Comment: This variant is classified as likely benign based on ACMG/AMP sequence variant interpretation guidelines (Richards et al. 2015 PMID: 25741868, with internal and published modifications).

NM_015922.3(NSDHL):c.841C>T (p.Arg281Cys)

Gene: NSDHL (NAD(P) dependent 3-beta-hydroxysteroid dehydrogenase NSDHL; plus strand). Cytogenetic location: Xq28.
Variant type: single nucleotide variant.
Coding change: c.841C>T on transcript NM_015922.3 (MANE Select); coding-DNA position 841, C replaced by T.
Protein change: p.Arg281Cys; replaces arginine 281 with cysteine.
Molecular consequence: missense variant.
Genome position (GRCh38, 1-based): chrX:152,868,835, C>T. VCF-style: chrX-152868835-C-T. GRCh37 (hg19) VCF-style: chrX-152037379-C-T.
Other names: c.841C>T, p.Arg281Cys (NM_001129765.2); short protein forms R281C.
Identifiers: ClinVar variation 704401 (VCV000704401.13), dbSNP rs146686014, ClinGen allele CA10544858.